The following is an entry in ClinVar:

ClinVar aggregate classification (germline): Uncertain significance (1 of 4 stars; one submission).

Conditions:
Cardiovascular phenotype. Identifiers: MedGen CN230736.

Allele frequency attached by ClinVar (database versions not stated): TOPMed below 0.00001; gnomAD 0.00001.
gnomAD v4.1: 1 of 1,613,638 alleles (0.000062%); highest among the groups gnomAD compares: African/African-American, 0.0013%; no homozygotes.

Submission:

Ambry Genetics
Classification: Uncertain significance for Cardiovascular phenotype. Last evaluated: 2020-07-02. Review status: criteria provided, single submitter. Criteria: Ambry Variant Classification Scheme 2023. Collection method: clinical testing. Allele origin: germline.
Comment: The p.E4395K variant (also known as c.13183G>A), located in coding exon 45 of the TTN gene, results from a G to A substitution at nucleotide position 13183. The glutamic acid at codon 4395 is replaced by lysine, an amino acid with similar properties. This amino acid position is well conserved in available vertebrate species. In addition, the in silico prediction for this alteration is inconclusive. Since supporting evidence is limited at this time, the clinical significance of this variant remains unclear.

NM_001267550.2(TTN):c.14272G>A (p.Glu4758Lys)

Gene: TTN (titin; minus strand). Cytogenetic location: 2q31.2.
Variant type: single nucleotide variant.
Coding change: c.14272G>A on transcript NM_001267550.2 (MANE Select); coding-DNA position 14272, G replaced by A.
Protein change: p.Glu4758Lys; replaces glutamic acid 4758 with lysine.
Molecular consequence: missense variant.
Genome position (GRCh38, 1-based): chr2:178,738,181, C>T on the plus strand (G>A on the coding strand, the complement: TTN is on the minus strand). VCF-style: chr2-178738181-C-T. GRCh37 (hg19) VCF-style: chr2-179602908-C-T.
Other names: c.13321G>A, p.Glu4441Lys (NM_001256850.1); c.13183G>A, p.Glu4395Lys (NM_003319.4); c.10540G>A, p.Glu3514Lys (NM_133378.4); c.13558G>A, p.Glu4520Lys (NM_133432.3); c.13759G>A, p.Glu4587Lys (NM_133437.4); short protein forms E4395K, E4758K, E4520K, E4587K, E3514K, E4441K.
Identifiers: ClinVar variation 518532 (VCV000518532.5), dbSNP rs928709551, ClinGen allele CA60982484.